The following is an entry in ClinVar:

NM_006904.7(PRKDC):c.1240C>T (p.Leu414Phe)

Gene: PRKDC (protein kinase, DNA-activated, catalytic subunit; minus strand). Cytogenetic location: 8q11.21.
Variant type: single nucleotide variant.
Coding change: c.1240C>T on transcript NM_006904.7 (MANE Select); coding-DNA position 1240, C replaced by T.
Protein change: p.Leu414Phe; replaces leucine 414 with phenylalanine.
Molecular consequence: missense variant.
Genome position (GRCh38, 1-based): chr8:47,936,391, G>A on the plus strand (C>T on the coding strand, the complement: PRKDC is on the minus strand). VCF-style: chr8-47936391-G-A. GRCh37 (hg19) VCF-style: chr8-48848951-G-A.
Other names: c.1240C>T, p.Leu414Phe (NM_001081640.2); short protein forms L414F.
Identifiers: ClinVar variation 2007708 (VCV002007708.4), dbSNP rs2551879717, ClinGen allele CA371166116.

ClinVar aggregate classification (germline): Uncertain significance (1 of 4 stars; one submission).

Conditions:
Severe combined immunodeficiency due to DNA-PKcs deficiency. Also called: IMMUNODEFICIENCY 26 WITH NEUROLOGIC ABNORMALITIES; Immunodeficiency 26 with or without neurologic abnormalities. Identifiers: Orphanet 317425, MedGen C4014833, MONDO:0014423, OMIM 615966.

Submission:

Labcorp Genetics (formerly Invitae), Labcorp
Classification: Uncertain significance for Severe combined immunodeficiency due to DNA-PKcs deficiency. Last evaluated: 2022-06-17. Review status: criteria provided, single submitter. Criteria: Invitae Variant Classification Sherloc (09022015). Collection method: clinical testing. Allele origin: germline.
Comment: In summary, the available evidence is currently insufficient to determine the role of this variant in disease. Therefore, it has been classified as a Variant of Uncertain Significance. This sequence change replaces leucine, which is neutral and non-polar, with phenylalanine, which is neutral and non-polar, at codon 414 of the PRKDC protein (p.Leu414Phe). This variant is not present in population databases (gnomAD no frequency). Experimental studies and prediction algorithms are not available or were not evaluated, and the functional significance of this variant is currently unknown. This variant has not been reported in the literature in individuals affected with PRKDC-related conditions.